The following is an entry in ClinVar:

ClinVar aggregate classification (germline): Pathogenic. Review status: criteria provided, multiple submitters, no conflicts (2 of 4 stars). 3 submissions from 3 submitters: Pathogenic (3). Last evaluated 2025-12-04.

Conditions:
Recessive dystrophic epidermolysis bullosa (RDEB). Also called: Hallopeau-Siemens Disease; Epidermolysis Bullosa Distrophica Autosomal Recessive (RDEB); DYSTROPHIC EPIDERMOLYSIS BULLOSA, AUTOSOMAL RECESSIVE; EPIDERMOLYSIS BULLOSA DYSTROPHICA, HALLOPEAU-SIEMENS TYPE; epidermolysis bullosa dystrophica, autosomal recessive; Recessive DEB (RDEB). Identifiers: Orphanet 79408, Orphanet 79409, MedGen C0079474, MONDO:0009179, OMIM 226600.
Epidermolysis bullosa dystrophica. Also called: Dystrophic epidermolysis bullosa, Hallopeau-Siemens type (formerly); Dystrophic epidermolysis bullosa. Identifiers: Orphanet 303, MedGen C0079294, MONDO:0006543.

Allele frequency attached by ClinVar (database versions not stated): gnomAD exomes below 0.00001.
gnomAD v4.1: 7 of 1,614,058 alleles (0.00043%); highest among the groups gnomAD compares: Non-Finnish European, 0.00051%; no homozygotes.

Submissions (3):

Natera, Inc.
Classification: Pathogenic for Dystrophic epidermolysis bullosa. Last evaluated: 2025-12-04. Review status: criteria provided, single submitter. Criteria: Natera Variant Classification Schema (03/2026). Collection method: clinical testing. Allele origin: germline.
Comment: The c.4342-1G>T variant in COL7A1 is a canonical splice acceptor site variant predicted to affect pre-mRNA splicing, which may result in an abnormal transcript and altered protein product. This variant may result in a truncated or dysfunctional protein product. This variant is rare in the general population with a frequency below the threshold expected for the associated phenotype(s). This variant has been observed in one or more individuals affected with the associated recessive disease, as either homozygous or compound heterozygous with a second variant (PMID: 22266148). Another variant at this same site results in an alteration predicted to cause a similar molecular effect has been observed in individual(s) with the associated phenotype. Given the available evidence, this variant is classified as Pathogenic.

Myriad Genetics, Inc.
Classification: Pathogenic for Recessive dystrophic epidermolysis bullosa. Last evaluated: 2025-04-17. Review status: criteria provided, single submitter. Criteria: Myriad Autosomal Dominant, Autosomal Recessive and X-Linked Classification Criteria (2023). Collection method: clinical testing. Allele origin: unknown.
Comment: NM_000094.3(COL7A1):c.4342-1G>T is a variant in a canonical splice site classified as pathogenic in the context of dystrophic epidermolysis bullosa. c.4342-1G>T has been observed in cases with relevant disease (PMID: 31167965, 32250485). Relevant functional assessments of this variant are not available in the literature. c.4342-1G>T has not been observed in referenced population frequency databases. In summary, NM_000094.3(COL7A1):c.4342-1G>T is a variant in a canonical splice site that has been observed more frequently in cases with the relevant disease than in healthy populations. Please note: this variant was assessed in the context of healthy population screening.

Labcorp Genetics (formerly Invitae), Labcorp
Classification: Pathogenic. Last evaluated: 2022-08-15. Review status: criteria provided, single submitter. Criteria: Invitae Variant Classification Sherloc (09022015). Collection method: clinical testing. Allele origin: germline.
Comment: For these reasons, this variant has been classified as Pathogenic. Algorithms developed to predict the effect of sequence changes on RNA splicing suggest that this variant may disrupt the consensus splice site. ClinVar contains an entry for this variant (Variation ID: 960530). Disruption of this splice site has been observed in individuals with COL7A1-related conditions (PMID: 22266148, 32250485). This variant is not present in population databases (gnomAD no frequency). This sequence change affects an acceptor splice site in intron 39 of the COL7A1 gene. It is expected to disrupt RNA splicing. Variants that disrupt the donor or acceptor splice site typically lead to a loss of protein function (PMID: 16199547), and loss-of-function variants in COL7A1 are known to be pathogenic (PMID: 16971478).

Literature cited by the submitters: PubMed 22266148 (cited by Natera, Inc. and Labcorp Genetics (formerly Invitae), Labcorp); PubMed 31167965 (cited by Myriad Genetics, Inc.); PubMed 32250485 (cited by Myriad Genetics, Inc. and Labcorp Genetics (formerly Invitae), Labcorp); PubMed 16199547 (cited by Labcorp Genetics (formerly Invitae), Labcorp); PubMed 16971478 (cited by Labcorp Genetics (formerly Invitae), Labcorp).

NM_000094.4(COL7A1):c.4342-1G>T

Gene: COL7A1 (collagen type VII alpha 1 chain; minus strand). Cytogenetic location: 3p21.31.
Variant type: single nucleotide variant.
Coding change: c.4342-1G>T on transcript NM_000094.4 (MANE Select); the canonical splice acceptor site of the intron before coding-DNA position 4342, G replaced by T.
Molecular consequence: splice acceptor variant.
Genome position (GRCh38, 1-based): chr3:48,583,616, C>A on the plus strand (G>T on the coding strand, the complement: COL7A1 is on the minus strand). VCF-style: chr3-48583616-C-A. GRCh37 (hg19) VCF-style: chr3-48621049-C-A.
Identifiers: ClinVar variation 960530 (VCV000960530.8), dbSNP rs2044955528, ClinGen allele CA352693045.